The following is an entry in ClinVar:

ClinVar aggregate classification (germline): Uncertain significance. Review status: criteria provided, multiple submitters, no conflicts (2 of 4 stars). 3 submissions from 3 submitters: Uncertain significance (2). 1 of the submissions does not count toward it. Last evaluated 2019-04-25.

Conditions:
Otitis media, susceptibility to (OMS). Also called: OTITIS MEDIA, CHRONIC/RECURRENT; COME/ROM. Identifiers: MedGen C1833692, MONDO:0008162, OMIM 166760.
Otitis media. Identifiers: MedGen C0029882, MONDO:0005441, HP:0000388.

Allele frequency attached by ClinVar (database versions not stated): gnomAD exomes below 0.00001.
gnomAD v4.1: 2 of 1,614,138 alleles (0.00012%); highest among the groups gnomAD compares: African/African-American, 0.0013%; no homozygotes.

Submissions (3):

Santos-Cortez Lab, University of Colorado School of Medicine
Classification: Uncertain significance for Otitis media, susceptibility to. Last evaluated: 2019-04-25. Review status: criteria provided, single submitter. Criteria: Larson et al. (Hum Mutat. 2019). Collection method: research. Allele origin: germline. Inheritance: Autosomal dominant inheritance. Affected: yes.

Labcorp Genetics (formerly Invitae), Labcorp
Classification: Uncertain significance. Last evaluated: 2018-08-06. Review status: criteria provided, single submitter. Criteria: Invitae Variant Classification Sherloc (09022015). Collection method: clinical testing. Allele origin: germline.
Comment: This sequence change replaces threonine with isoleucine at codon 55 of the A2ML1 protein (p.Thr55Ile). The threonine residue is moderately conserved and there is a moderate physicochemical difference between threonine and isoleucine. This variant is not present in population databases (ExAC no frequency). This variant has not been reported in the literature in individuals with A2ML1-related disease. Algorithms developed to predict the effect of missense changes on protein structure and function output the following: SIFT: "Deleterious"; PolyPhen-2: "Possibly Damaging"; Align-GVGD: "Class C0". The isoleucine amino acid residue is found in multiple mammalian species, suggesting that this missense change does not adversely affect protein function. These predictions have not been confirmed by published functional studies and their clinical significance is uncertain. In summary, the available evidence is currently insufficient to determine the role of this variant in disease. Therefore, it has been classified as a Variant of Uncertain Significance.

University of Washington Center for Mendelian Genomics, University of Washington
Classification: Uncertain significance for Otitis media. Review status: no assertion criteria provided. Collection method: research. Allele origin: inherited. Affected: yes. Not counted in ClinVar's aggregate classification.

Literature cited by the submitters: PubMed 31009165 (cited by University of Washington Center for Mendelian Genomics, University of Washington).

NM_144670.6(A2ML1):c.164C>T (p.Thr55Ile)

Genes: A2ML1 (alpha-2-macroglobulin like 1; plus strand), A2ML1-AS1 (A2ML1 antisense RNA 1; minus strand). Cytogenetic location: 12p13.31.
Variant type: single nucleotide variant.
Coding change: c.164C>T on transcript NM_144670.6 (MANE Select); coding-DNA position 164, C replaced by T.
Protein change: p.Thr55Ile; replaces threonine 55 with isoleucine.
Molecular consequence: missense variant.
Genome position (GRCh38, 1-based): chr12:8,823,283, C>T. VCF-style: chr12-8823283-C-T. GRCh37 (hg19) VCF-style: chr12-8975879-C-T.
Other names: short protein forms T55I.
Identifiers: ClinVar variation 626339 (VCV000626339.9), dbSNP rs999028234, ClinGen allele CA232652557.
Genomic context (GRCh38, chr12:8,823,283, plus strand): 5'-CCGTTCAGAAGGTTTGTTTGGACCTGAGCCCTGGGTACAGTGATGTTAAATTCACGGTTA[C>T]TCTGGAGACCAAGGACAAGACCCAGAAGTTGCTAGAATACTCTGGACTGAAGAAGAGGCA-3'
Protein context (NP_653271.3, residues 45-65): PGYSDVKFTV[Thr55Ile]LETKDKTQKL